The following is an entry in ClinVar:

ClinVar aggregate classification (germline): Uncertain significance (1 of 4 stars; one submission).

Submission:

GeneDx
Classification: Uncertain significance. Last evaluated: 2025-03-16. Review status: criteria provided, single submitter. Criteria: GeneDx Variant Classification Process June 2021. Collection method: clinical testing. Allele origin: germline. Affected: yes.
Comment: Not observed at significant frequency in large population cohorts (gnomAD); In silico analysis supports that this missense variant has a deleterious effect on protein structure/function; Has not been previously published as pathogenic or benign to our knowledge

NM_080552.3(SLC32A1):c.1017G>T (p.Met339Ile)

Gene: SLC32A1 (solute carrier family 32 member 1; plus strand). Cytogenetic location: 20q11.23.
Variant type: single nucleotide variant.
Coding change: c.1017G>T on transcript NM_080552.3 (MANE Select); coding-DNA position 1017, G replaced by T.
Protein change: p.Met339Ile; replaces methionine 339 with isoleucine.
Molecular consequence: missense variant.
Genome position (GRCh38, 1-based): chr20:38,728,078, G>T. VCF-style: chr20-38728078-G-T. GRCh37 (hg19) VCF-style: chr20-37356721-G-T.
Other names: short protein forms M339I.
Identifiers: ClinVar variation 4086556 (VCV004086556.1).